The following is an entry in ClinVar:

NM_007217.4(PDCD10):c.274_275del (p.Met92fs)

Gene: PDCD10 (programmed cell death 10; minus strand). Cytogenetic location: 3q26.1.
Variant type: Microsatellite.
Coding change: c.274_275del on transcript NM_007217.4 (MANE Select); coding-DNA positions 274 to 275, 2 bases deleted (AT; older notation c.274_275delAT).
Protein change: p.Met92fs; shifts the reading frame from methionine 92.
Molecular consequence: frameshift variant.
Genome position (GRCh38, 1-based): chr3:167,695,716-167,695,717, AT deleted on the plus strand (AT on the coding strand, the reverse complement: PDCD10 is on the minus strand); deleting any 2 consecutive bases within chr3:167,695,716-167,695,720 gives the same sequence; the c. name uses the placement nearest the transcript's 3' end. VCF-style (leftmost placement, unchanged base first): chr3-167695715-CAT-C. GRCh37 (hg19) VCF-style: chr3-167413503-CAT-C.
Other names: c.274_275del, p.Met92fs (NM_145859.2, NM_145860.2); short protein forms M92fs.
Identifiers: ClinVar variation 2023706 (VCV002023706.4), dbSNP rs2475721715, ClinGen allele CA2580616005.

ClinVar aggregate classification (germline): Pathogenic (1 of 4 stars; one submission).

Conditions:
Cerebral cavernous malformation 3. Also called: Familial Cerebral Cavernous Malformation 3. Identifiers: Orphanet 221061, MedGen C1864040, MONDO:0011305, OMIM 603285.

Submission:

Labcorp Genetics (formerly Invitae), Labcorp
Classification: Pathogenic for Cerebral cavernous malformation 3. Last evaluated: 2022-08-12. Review status: criteria provided, single submitter. Criteria: Invitae Variant Classification Sherloc (09022015). Collection method: clinical testing. Allele origin: germline.
Comment: This sequence change creates a premature translational stop signal (p.Met92Aspfs*2) in the PDCD10 gene. It is expected to result in an absent or disrupted protein product. Loss-of-function variants in PDCD10 are known to be pathogenic (PMID: 15543491, 18300272, 23801932). This variant is not present in population databases (gnomAD no frequency). This variant has not been reported in the literature in individuals affected with PDCD10-related conditions. For these reasons, this variant has been classified as Pathogenic.

Literature cited by the submitters: PubMed 15543491; PubMed 18300272; PubMed 23801932.